The following is an entry in ClinVar:

NM_000018.4(ACADVL):c.956C>T (p.Ser319Leu)

Gene: ACADVL (acyl-CoA dehydrogenase very long chain; plus strand). Cytogenetic location: 17p13.1.
Variant type: single nucleotide variant.
Coding change: c.956C>T on transcript NM_000018.4 (MANE Select); coding-DNA position 956, C replaced by T.
Protein change: p.Ser319Leu; replaces serine 319 with leucine.
Molecular consequence: missense variant.
Genome position (GRCh38, 1-based): chr17:7,222,744, C>T. VCF-style: chr17-7222744-C-T. GRCh37 (hg19) VCF-style: chr17-7126063-C-T.
Other names: c.956C>T (NM_000018.2); c.890C>T, p.Ser297Leu (NM_001033859.3); c.1025C>T, p.Ser342Leu (NM_001270447.2); c.728C>T, p.Ser243Leu (NM_001270448.2); short protein forms S297L, S243L, S319L, S342L.
Identifiers: ClinVar variation 932762 (VCV000932762.35), dbSNP rs149467828, ClinGen allele CA8337913.

ClinVar aggregate classification (germline): Uncertain significance. Review status: criteria provided, multiple submitters, no conflicts (2 of 4 stars). 7 submissions from 7 submitters: Uncertain significance (6). 1 of the submissions does not count toward it. Last evaluated 2024-09-01.

Conditions:
Very long chain acyl-CoA dehydrogenase deficiency (ACADVLD). Also called: VLCAD Deficiency; Very Long-Chain Acyl-Coenzyme A Dehydrogenase Deficiency. Identifiers: Orphanet 26793, MedGen C3887523, MONDO:0008723, OMIM 201475.

Allele frequency attached by ClinVar (database versions not stated): TOPMed 0.00008.
gnomAD v4.1: 93 of 1,613,990 alleles (0.0058%); highest among the groups gnomAD compares: Middle Eastern, 0.033%; no homozygotes.

Submissions (7):

Department of Genetics of Metabolic Diseases, Institute of Medical & Molecular Genetics, Hospital Universitario Hospital La Paz
Classification: Uncertain significance for Very long chain acyl-CoA dehydrogenase deficiency. Last evaluated: 2024-09-01. Review status: criteria provided, single submitter. Criteria: ACMG Guidelines, 2015. Collection method: clinical testing. Allele origin: germline. Inheritance: Autosomal recessive inheritance. Affected: yes.
Comment: The variant NM_000018.3:c.956C>T p.(Ser319Leu) in ACADVL is present at low frequency in gnomAD (0.003892%). Experimental analysis in fibroblasts confirmed the patient showed a significatively educed VLCAD´s activity (PMID: Hidalgo Mayoral I et al., in press).

CeGaT Center for Human Genetics Tuebingen
Classification: Uncertain significance. Last evaluated: 2024-01-01. Review status: criteria provided, single submitter. Criteria: CeGaT Center For Human Genetics Tuebingen Variant Classification Criteria Version 2. Collection method: clinical testing. Allele origin: germline. Affected: yes. Observed: 1 variant allele.
Comment: ACADVL: PM1, PM2

Labcorp Genetics (formerly Invitae), Labcorp
Classification: Uncertain significance for Very long chain acyl-CoA dehydrogenase deficiency. Last evaluated: 2022-08-07. Review status: criteria provided, single submitter. Criteria: Invitae Variant Classification Sherloc (09022015). Collection method: clinical testing. Allele origin: germline.
Comment: This sequence change replaces serine, which is neutral and polar, with leucine, which is neutral and non-polar, at codon 319 of the ACADVL protein (p.Ser319Leu). This variant is present in population databases (rs149467828, gnomAD 0.006%). This variant has not been reported in the literature in individuals affected with ACADVL-related conditions. ClinVar contains an entry for this variant (Variation ID: 932762). Algorithms developed to predict the effect of missense changes on protein structure and function (SIFT, PolyPhen-2, Align-GVGD) all suggest that this variant is likely to be tolerated. In summary, the available evidence is currently insufficient to determine the role of this variant in disease. Therefore, it has been classified as a Variant of Uncertain Significance.

Genome-Nilou Lab
Classification: Uncertain significance for Very long chain acyl-CoA dehydrogenase deficiency. Last evaluated: 2021-07-22. Review status: criteria provided, single submitter. Criteria: ACMG Guidelines, 2015. Collection method: clinical testing. Allele origin: germline. Affected: no.

Wong Mito Lab, Molecular and Human Genetics, Baylor College of Medicine
Classification: Uncertain significance for Very long chain acyl-CoA dehydrogenase deficiency. Last evaluated: 2019-11-01. Review status: criteria provided, single submitter. Criteria: ACMG Guidelines, 2015. Collection method: clinical testing. Allele origin: germline.
Comment: The NM_000018.3:c.956C>T (NP_000009.1:p.Ser319Leu) [GRCH38: NC_000017.11:g.7222744C>T] variant in ACADVL gene is interpretated to be Uncertain Significance based on ACMG guidelines (PMID: 25741868). This variant has been reported. This variant dose not meet any evidence codes reported in the ACMG guidelines.

GeneDx
Classification: Uncertain significance. Last evaluated: 2019-07-19. Review status: criteria provided, single submitter. Criteria: GeneDx Variant Classification Process June 2021. Collection method: clinical testing. Allele origin: germline. Affected: yes.
Comment: Not observed at a significant frequency in large population cohorts (Lek et al., 2016); In silico analysis, which includes protein predictors and evolutionary conservation, supports that this variant does not alter protein structure/function; Has not been previously published as pathogenic or benign to our knowledge

Natera, Inc.
Classification: Uncertain significance for Very long chain acyl-CoA dehydrogenase deficiency. Last evaluated: 2020-02-21. Review status: no assertion criteria provided. Collection method: clinical testing. Allele origin: germline. Not counted in ClinVar's aggregate classification.

Literature cited by the submitters: PubMed 41022664 (cited by Department of Genetics of Metabolic Diseases, Institute of Medical & Molecular Genetics, Hospital Universitario Hospital La Paz).